The following is an entry in ClinVar:

NC_000003.12:g.169764818G>A

Genes: TERC (telomerase RNA component; minus strand), LOC110806306 (telomerase RNA component (TERC) promoter; plus strand). Cytogenetic location: 3q26.2.
Variant type: single nucleotide variant.
Genome position: GRCh38 VCF-style: chr3-169764818-G-A. GRCh37 (hg19) VCF-style: chr3-169482606-G-A.
Identifiers: ClinVar variation 1479677 (VCV001479677.33), dbSNP rs2108183041, ClinGen allele CA436715299.

ClinVar aggregate classification (germline): Uncertain significance. Review status: criteria provided, single submitter (1 of 4 stars). 2 submissions from 2 submitters: Uncertain significance (1). 1 of the submissions does not count toward it. Last evaluated 2021-03-23.

Conditions:
Pulmonary fibrosis. Identifiers: MedGen C0034069, MONDO:0002771, HP:0002206.
Dyskeratosis congenita, autosomal dominant 1 (DKCA1). Also called: Dyskeratosis congenita Scoggins type. Identifiers: Orphanet 1775, MedGen C4551974, MONDO:0007485, OMIM 127550. Inheritance: Variable.

Submissions (2):

Labcorp Genetics (formerly Invitae), Labcorp
Classification: Uncertain significance for Dyskeratosis congenita, autosomal dominant 1. Last evaluated: 2021-03-23. Review status: criteria provided, single submitter. Criteria: Invitae Variant Classification Sherloc (09022015). Collection method: clinical testing. Allele origin: germline.
Comment: In summary, the available evidence is currently insufficient to determine the role of this variant in disease. Therefore, it has been classified as a Variant of Uncertain Significance. This variant has not been reported in the literature in individuals with TERC-related conditions. The frequency data for this variant in the population databases is considered unreliable, as metrics indicate insufficient coverage at this position in the ExAC database. This variant occurs in the TERC gene, which encodes an RNA molecule that does not result in a protein product. This variant is located within the conserved regions 4 and 5 (CR4-CR5) domain of the TERC RNA component, which is required for telomerase activity (PMID: 15082312, 21844345). Functional studies testing the effect of this variant on TERC secondary structure or function have not been reported.

Garcia Pulmonary Genetics Research Laboratory, Columbia University Irving Medical Center
Classification: Likely risk allele for Pulmonary fibrosis. Last evaluated: 2022-06-09. Review status: no assertion criteria provided. Collection method: research. Allele origin: germline. Affected: yes. Not counted in ClinVar's aggregate classification.

Literature cited by the submitters: PubMed 15082312 (cited by Labcorp Genetics (formerly Invitae), Labcorp); PubMed 21844345 (cited by Labcorp Genetics (formerly Invitae), Labcorp).